The following is an entry in ClinVar:

ClinVar aggregate classification (germline): Likely pathogenic (0 of 4 stars; one submission).

Conditions:
LEPR-related disorder. Also called: LEPR-related condition; LEPR-related disorders.

gnomAD v4.1: 6 of 1,613,660 alleles (0.00037%); highest among the groups gnomAD compares: African/African-American, 0.0013%; no homozygotes.

Submission:

PreventionGenetics, part of Exact Sciences
Classification: Likely pathogenic for LEPR-related condition. Last evaluated: 2024-08-06. Review status: no assertion criteria provided. Collection method: clinical testing. Allele origin: germline.
Comment: The LEPR c.1204C>T variant is predicted to result in premature protein termination (p.Arg402*). To our knowledge, this variant has not been reported in the literature or in a large population database, indicating this variant is rare. Nonsense variants in LEPR are expected to be pathogenic. This variant is interpreted as likely pathogenic.

NM_002303.6(LEPR):c.1204C>T (p.Arg402Ter)

Gene: LEPR (leptin receptor; plus strand). Cytogenetic location: 1p31.3.
Variant type: single nucleotide variant.
Coding change: c.1204C>T on transcript NM_002303.6 (MANE Select); coding-DNA position 1204, C replaced by T.
Protein change: p.Arg402Ter; replaces arginine 402 with a stop codon.
Molecular consequence: nonsense.
Genome position (GRCh38, 1-based): chr1:65,601,601, C>T. VCF-style: chr1-65601601-C-T. GRCh37 (hg19) VCF-style: chr1-66067284-C-T.
Other names: c.1204C>T, p.Arg402Ter (NM_001003679.3, NM_001003680.3, NM_001198687.2 and 2 more transcripts); short protein forms R402*.
Identifiers: ClinVar variation 3347906 (VCV003347906.1).